The following is an entry in ClinVar:

ClinVar aggregate classification (germline): Uncertain significance. Review status: criteria provided, multiple submitters, no conflicts (2 of 4 stars). 2 submissions from 2 submitters: Uncertain significance (2). Last evaluated 2025-02-19.

Conditions:
Hereditary cancer-predisposing syndrome. Also called: Hereditary neoplastic syndrome; Neoplastic Syndromes, Hereditary; Hereditary Cancer Syndrome; Tumor predisposition. Identifiers: Orphanet 140162, MedGen C0027672, MeSH D009386, MONDO:0015356.
Familial cancer of breast. Also called: Hereditary breast cancer; BREAST CANCER, FAMILIAL; hereditary breast carcinoma. Identifiers: Orphanet 227535, MedGen C0346153, MONDO:0016419, OMIM 114480. Disease mechanism: loss of function.

gnomAD v4.1: 1 of 1,611,714 alleles (0.000062%); no homozygotes.

Submissions (2):

Ambry Genetics
Classification: Uncertain significance for Hereditary cancer-predisposing syndrome. Last evaluated: 2025-02-19. Review status: criteria provided, single submitter. Criteria: Ambry Variant Classification Scheme 2023. Collection method: clinical testing. Allele origin: germline.
Comment: The p.C231R variant (also known as c.691T>C), located in coding exon 5 of the CHEK2 gene, results from a T to C substitution at nucleotide position 691. The cysteine at codon 231 is replaced by arginine, an amino acid with highly dissimilar properties. This amino acid position is highly conserved in available vertebrate species. In addition, this alteration is predicted to be deleterious by in silico analysis. Since supporting evidence is limited at this time, the clinical significance of this alteration remains unclear.

Labcorp Genetics (formerly Invitae), Labcorp
Classification: Uncertain significance for Familial cancer of breast. Last evaluated: 2022-10-03. Review status: criteria provided, single submitter. Criteria: Invitae Variant Classification Sherloc (09022015). Collection method: clinical testing. Allele origin: germline.
Comment: In summary, the available evidence is currently insufficient to determine the role of this variant in disease. Therefore, it has been classified as a Variant of Uncertain Significance. Algorithms developed to predict the effect of missense changes on protein structure and function are either unavailable or do not agree on the potential impact of this missense change (SIFT: "Deleterious"; PolyPhen-2: "Probably Damaging"; Align-GVGD: "Class C0"). ClinVar contains an entry for this variant (Variation ID: 965282). This variant has not been reported in the literature in individuals affected with CHEK2-related conditions. This variant is not present in population databases (gnomAD no frequency). This sequence change replaces cysteine, which is neutral and slightly polar, with arginine, which is basic and polar, at codon 231 of the CHEK2 protein (p.Cys231Arg).

NM_007194.4(CHEK2):c.691T>C (p.Cys231Arg)

Gene: CHEK2 (checkpoint kinase 2; minus strand). Cytogenetic location: 22q12.1.
Variant type: single nucleotide variant.
Coding change: c.691T>C on transcript NM_007194.4 (MANE Select); coding-DNA position 691, T replaced by C.
Protein change: p.Cys231Arg; replaces cysteine 231 with arginine.
Molecular consequence: missense variant.
Genome position (GRCh38, 1-based): chr22:28,712,010, A>G on the plus strand (T>C on the coding strand, the complement: CHEK2 is on the minus strand). VCF-style: chr22-28712010-A-G. GRCh37 (hg19) VCF-style: chr22-29107998-A-G.
Other names: c.820T>C, p.Cys274Arg (NM_001005735.3); c.28T>C, p.Cys10Arg (NM_001257387.3); c.490T>C, p.Cys164Arg (NM_001349956.3); c.691T>C, p.Cys231Arg (NM_145862.3); short protein forms C10R, C164R, C231R, C274R.
Identifiers: ClinVar variation 965282 (VCV000965282.14), dbSNP rs2053418354, ClinGen allele CA411103501.